The following is an entry in ClinVar:

ClinVar aggregate classification (germline): Pathogenic/Likely pathogenic. Review status: criteria provided, multiple submitters, no conflicts (2 of 4 stars). 2 submissions from 2 submitters: Pathogenic (1); Likely pathogenic (1). Last evaluated 2024-04-19.

Conditions:
Congenital myasthenic syndrome 4A. Also called: MYASTHENIC SYNDROME, CONGENITAL, 4A, SLOW-CHANNEL, AUTOSOMAL RECESSIVE; Myasthenic syndrome, congenital, 4a, slow-channel; CONGENITAL MYASTHENIC SYNDROME TYPE Ia1. Identifiers: Orphanet 590, MedGen C4225413, MONDO:0011600, OMIM 605809.
Congenital myasthenic syndrome 4B. Also called: Myasthenic syndrome, congenital, 4b, fast-channel. Identifiers: Orphanet 590, MedGen C4225369, MONDO:0014586, OMIM 616324.
Congenital myasthenic syndrome 4C (CMS4C). Also called: Myasthenic syndrome, congenital, associated with acetylcholine receptor deficiency. Identifiers: Orphanet 590, MedGen C1837091, MONDO:0012157, OMIM 608931.

Submissions (2):

Fulgent Genetics
Classification: Likely pathogenic for Congenital myasthenic syndrome 4A; Congenital myasthenic syndrome 4C; Congenital myasthenic syndrome 4B. Last evaluated: 2024-04-19. Review status: criteria provided, single submitter. Criteria: ACMG Guidelines, 2015. Collection method: clinical testing. Allele origin: germline.

Labcorp Genetics (formerly Invitae), Labcorp
Classification: Pathogenic for Congenital myasthenic syndrome 4A. Last evaluated: 2018-11-07. Review status: criteria provided, single submitter. Criteria: Invitae Variant Classification Sherloc (09022015). Collection method: clinical testing. Allele origin: germline.
Comment: For these reasons, this variant has been classified as Pathogenic. Loss-of-function variants in CHRNE are known to be pathogenic (PMID: 22678886). This variant has not been reported in the literature in individuals with CHRNE-related disease. This variant is not present in population databases (ExAC no frequency). This sequence change creates a premature translational stop signal (p.Val285Argfs*17) in the CHRNE gene. It is expected to result in an absent or disrupted protein product.

Literature cited by the submitters: PubMed 22678886 (cited by Labcorp Genetics (formerly Invitae), Labcorp).

NM_000080.4(CHRNE):c.848_852dup (p.Val285fs)

Genes: CHRNE (cholinergic receptor nicotinic epsilon subunit; minus strand), C17orf107 (chromosome 17 open reading frame 107; plus strand). Cytogenetic location: 17p13.2.
Variant type: Duplication.
Coding change: c.848_852dup on transcript NM_000080.4 (MANE Select); coding-DNA positions 848 to 852, 5 bases duplicated (AGACC; older notation c.848_852dupAGACC).
Protein change: p.Val285fs; shifts the reading frame from valine 285.
Molecular consequence: frameshift variant. On other transcripts: 3 prime UTR variant (1).
Genome position (GRCh38, 1-based): chr17:4,900,858-4,900,862, GGTCT duplicated on the plus strand (AGACC on the coding strand, the reverse complement: CHRNE is on the minus strand); duplicating any 5 consecutive bases within chr17:4,900,858-4,900,864 gives the same sequence; the c. name uses the placement nearest the transcript's 3' end. VCF-style (leftmost placement, unchanged base first): chr17-4900857-C-CGGTCT. GRCh37 (hg19) VCF-style: chr17-4804152-C-CGGTCT.
Other names: c.*327_*331dup (NM_001145536.2); short protein forms V285fs.
Identifiers: ClinVar variation 567969 (VCV000567969.8), dbSNP rs1567638401, ClinGen allele CA891844477.